The following is an entry in ClinVar:

NM_020937.4(FANCM):c.3166T>G (p.Cys1056Gly)

Gene: FANCM (FA complementation group M; plus strand). Cytogenetic location: 14q21.2.
Variant type: single nucleotide variant.
Coding change: c.3166T>G on transcript NM_020937.4 (MANE Select); coding-DNA position 3166, T replaced by G.
Protein change: p.Cys1056Gly; replaces cysteine 1056 with glycine.
Molecular consequence: missense variant.
Genome position (GRCh38, 1-based): chr14:45,175,920, T>G. VCF-style: chr14-45175920-T-G. GRCh37 (hg19) VCF-style: chr14-45645123-T-G.
Other names: c.3088T>G, p.Cys1030Gly (NM_001308133.2); short protein forms C1056G, C1030G.
Identifiers: ClinVar variation 2002622 (VCV002002622.4), dbSNP rs2503187784, ClinGen allele CA389600052.
Genomic context (GRCh38, chr14:45,175,920, plus strand): 5'-TGTTTGCTGTCACATTCAGCTGTGAATTCTCAACAGAATTTAGAATTGAATTCACTTAAA[T>G]GTATAAATTATCCATCTGAAAAAAGTTGCCTTTATGATATACCTAATGATAATATTTCTG-3'
Protein context (NP_065988.1, residues 1046-1066): QQNLELNSLK[Cys1056Gly]INYPSEKSCL

ClinVar aggregate classification (germline): Uncertain significance (1 of 4 stars; one submission).

Conditions:
Fanconi anemia (FA). Also called: Fanconi's anemia. Identifiers: Orphanet 84, MedGen C0015625, MeSH D005199, MONDO:0019391.

Submission:

Labcorp Genetics (formerly Invitae), Labcorp
Classification: Uncertain significance for Fanconi anemia. Last evaluated: 2022-06-10. Review status: criteria provided, single submitter. Criteria: Invitae Variant Classification Sherloc (09022015). Collection method: clinical testing. Allele origin: germline.
Comment: This sequence change replaces cysteine, which is neutral and slightly polar, with glycine, which is neutral and non-polar, at codon 1056 of the FANCM protein (p.Cys1056Gly). This variant is not present in population databases (gnomAD no frequency). This variant has not been reported in the literature in individuals affected with FANCM-related conditions. Algorithms developed to predict the effect of missense changes on protein structure and function (SIFT, PolyPhen-2, Align-GVGD) all suggest that this variant is likely to be tolerated. In summary, the available evidence is currently insufficient to determine the role of this variant in disease. Therefore, it has been classified as a Variant of Uncertain Significance.